The following is an entry in ClinVar:

NM_000018.4(ACADVL):c.68G>A (p.Arg23Gln)

Genes: ACADVL (acyl-CoA dehydrogenase very long chain; plus strand), LOC130060113 (ATAC-STARR-seq lymphoblastoid silent region 8088; plus strand). Cytogenetic location: 17p13.1.
Variant type: single nucleotide variant.
Coding change: c.68G>A on transcript NM_000018.4 (MANE Select); coding-DNA position 68, G replaced by A.
Protein change: p.Arg23Gln; replaces arginine 23 with glutamine.
Molecular consequence: missense variant. On other transcripts: 5 prime UTR variant (1).
Genome position (GRCh38, 1-based): chr17:7,220,127, G>A. VCF-style: chr17-7220127-G-A. GRCh37 (hg19) VCF-style: chr17-7123446-G-A.
Other names: NM_000018.4(ACADVL):c.68G>A; p.Arg23Gln; c.68G>A, p.Arg23Gln (NM_001033859.3); c.137G>A, p.Arg46Gln (NM_001270447.2); c.-161G>A (NM_001270448.2); short protein forms R23Q, R46Q.
Identifiers: ClinVar variation 21023 (VCV000021023.33), dbSNP rs34153370, ClinGen allele CA341524.

ClinVar aggregate classification (germline): Benign. Review status: reviewed by expert panel (3 of 4 stars). 11 submissions from 11 submitters: Benign (1). 10 of the submissions do not count toward it. Last evaluated 2022-03-08.

Conditions:
ACADVL-related disorder. Also called: ACADVL-related condition.
Very long chain acyl-CoA dehydrogenase deficiency (ACADVLD). Also called: Very Long-Chain Acyl-Coenzyme A Dehydrogenase Deficiency; VLCAD Deficiency. Identifiers: Orphanet 26793, MedGen C3887523, MONDO:0008723, OMIM 201475.

Allele frequency attached by ClinVar (database versions not stated): gnomAD 0.00034 and 0.00038; 1000 Genomes Project 0.00060; TOPMed 0.00086; 1000 Genomes Project 30x 0.00062; ExAC 0.00144; gnomAD exomes 0.00200.
gnomAD v4.1: 472 of 1,566,278 alleles (0.03%); highest among the groups gnomAD compares: Admixed American, 0.85%; 8 homozygotes.

Submissions (11):

ClinGen ACADVL Variant Curation Expert Panel, ClinGen
Classification: Benign for Very long chain acyl-CoA dehydrogenase deficiency. Last evaluated: 2022-03-08. Review status: reviewed by expert panel. Criteria: clingen acadvl acmg specifications v1. Collection method: curation. Allele origin: germline. Inheritance: Autosomal recessive inheritance.
Comment: The c.68G>A variant in ACADVL is a missense variant predicted to cause the substitution of arginine by glutamine at amino acid 23 (p.Arg23Gln). The highest population minor allele frequency in gnomAD v2.1.1 is 0.01223 in the Latino population, which is higher than the ClinGen ACADVL Variant Curation Expert Panel threshold (≥0.007) for BA1, and therefore meets this criterion (BA1). The computational predictor REVEL gives a score of 0.123, which is below the threshold of 0.5, evidence that does not predict a damaging effect on ACADVL function (BP4). In summary, this variant meets the criteria to be classified as benign for autosomal recessive very long chain acyl-CoA dehydrogenase (VLCAD) deficiency based on the ACMG/AMP criteria applied, as specified by the ClinGen ACADVL Variant Curation Expert Panel: BA1, BP4 (VCEP specifications v2.0, approved on 09/16/2021).

CeGaT Center for Human Genetics Tuebingen
Classification: Likely benign. Last evaluated: 2026-09-01. Review status: criteria provided, single submitter. Criteria: CeGaT Center For Human Genetics Tuebingen Variant Classification Criteria Version 2. Collection method: clinical testing. Allele origin: germline. Affected: yes. Observed: 3 variant alleles. Not counted in ClinVar's aggregate classification.
Comment: ACADVL: BS2

Labcorp Genetics (formerly Invitae), Labcorp
Classification: Benign for Very long chain acyl-CoA dehydrogenase deficiency. Last evaluated: 2026-02-04. Review status: criteria provided, single submitter. Criteria: Invitae Variant Classification Sherloc (09022015). Collection method: clinical testing. Allele origin: germline. Not counted in ClinVar's aggregate classification.

Mayo Clinic Laboratories, Mayo Clinic
Classification: Benign. Last evaluated: 2023-03-15. Review status: criteria provided, single submitter. Criteria: ACMG Guidelines, 2015. Collection method: clinical testing. Allele origin: germline. Observed: 2 variant alleles. Not counted in ClinVar's aggregate classification.
Comment: BA1, BP4

Fulgent Genetics
Classification: Benign for Very long chain acyl-CoA dehydrogenase deficiency. Last evaluated: 2021-10-07. Review status: criteria provided, single submitter. Criteria: ACMG Guidelines, 2015. Collection method: clinical testing. Allele origin: unknown. Not counted in ClinVar's aggregate classification.

ARUP Laboratories, Molecular Genetics and Genomics, ARUP Laboratories
Classification: Likely benign for Very long chain acyl-CoA dehydrogenase deficiency. Last evaluated: 2020-10-27. Review status: criteria provided, single submitter. Criteria: ARUP Molecular Germline Variant Investigation Process 2021. Collection method: clinical testing. Allele origin: germline. Not counted in ClinVar's aggregate classification.

GeneDx
Classification: Benign. Last evaluated: 2020-01-02. Review status: criteria provided, single submitter. Criteria: GeneDx Variant Classification Process June 2021. Collection method: clinical testing. Allele origin: germline. Affected: yes. Not counted in ClinVar's aggregate classification.
Comment: This variant is associated with the following publications: (PMID: 20301763)

Wong Mito Lab, Molecular and Human Genetics, Baylor College of Medicine
Classification: Benign for Very long chain acyl-CoA dehydrogenase deficiency. Last evaluated: 2019-11-01. Review status: criteria provided, single submitter. Criteria: ACMG Guidelines, 2015. Collection method: clinical testing. Allele origin: germline. Not counted in ClinVar's aggregate classification.
Comment: The NM_000018.3:c.68G>A (NP_000009.1:p.Arg23Gln) [GRCH38: NC_000017.11:g.7220127G>A] variant in ACADVL gene is interpretated to be Benign based on ACMG guidelines (PMID: 25741868). This variant has been reported. This variant meets the following evidence codes reported in the ACMG guidelines: BS1, BS2

Illumina Laboratory Services, Illumina
Classification: Benign for Very long chain acyl-CoA dehydrogenase deficiency. Last evaluated: 2017-04-28. Review status: criteria provided, single submitter. Criteria: ICSL Variant Classification Criteria 13 December 2019. Collection method: clinical testing. Allele origin: germline. Not counted in ClinVar's aggregate classification.
Comment: This variant was observed as part of a predisposition screen in an ostensibly healthy population. A literature search was performed for the gene, cDNA change, and amino acid change (where applicable). No publications were found based on this search. Allele frequency data from public databases was too high to be consistent with this variant causing disease. Therefore, this variant is classified as benign.

Breakthrough Genomics
Classification: Likely benign. Review status: criteria provided, single submitter. Criteria: ACMG Guidelines, 2015. Collection method: not provided. Allele origin: germline. Inheritance: Autosomal recessive inheritance. Affected: yes. Not counted in ClinVar's aggregate classification.

PreventionGenetics, part of Exact Sciences
Classification: Benign for ACADVL-related condition. Last evaluated: 2020-04-04. Review status: no assertion criteria provided. Collection method: clinical testing. Allele origin: germline. Not counted in ClinVar's aggregate classification.
Comment: This variant is classified as benign based on ACMG/AMP sequence variant interpretation guidelines (Richards et al. 2015 PMID: 25741868, with internal and published modifications).